The following is an entry in ClinVar:

ClinVar aggregate classification (germline): Likely pathogenic. Review status: reviewed by expert panel (3 of 4 stars). 2 submissions from 2 submitters: Likely pathogenic (1). 1 of the submissions does not count toward it. Last evaluated 2023-11-02.

Conditions:
Glanzmann thrombasthenia. Also called: Glanzmann's thrombasthenia; PLATELET GLYCOPROTEIN IIb-IIIa DEFICIENCY; BLEEDING DISORDER, PLATELET-TYPE, 2; THROMBASTHENIA OF GLANZMANN AND NAEGELI; Thrombasthenia. Identifiers: Orphanet 849, MedGen C0040015, MONDO:0100326.
Glanzmann thrombasthenia 2. Also called: BLEEDING DISORDER, PLATELET-TYPE, 23. Identifiers: MedGen C5543273, MONDO:0031009, OMIM 619267.

Submissions (2):

ClinGen Platelet Disorders Variant Curation Expert Panel, ClinGen
Classification: Likely pathogenic for Glanzmann thrombasthenia. Last evaluated: 2023-11-02. Review status: reviewed by expert panel. Criteria: ClinGen Platelet ACMG Specifications v2-1. Collection method: curation. Allele origin: germline. Inheritance: Autosomal recessive inheritance.
Comment: The ITGB3 missense variant NM_000212.3:c.647A>G replaces the tyrosine residue with a cysteine residue (p.Tyr216Cys). This variant has been observed in homozygosity in a proband (GT-4, PMID: 25539746) with a phenotype specific for Glanzmann's thrombasthenia (PP4_moderate) and in heterozygosity in an individual with a second pathogenic ITGB3 variant in trans (GT-11, PMID: 25539746; PM3). This variant has not been reported in population databases (PM2_supporting) and is predicted to be damaging by in silico tools (REVEL 0.953; PP3). In summary, this variant meets criteria to be classified as likely pathogenic for GT. GT-specific criteria applied: PM3, PP4_moderate, PM2_supporting, PP3.

ISTH-SSC Genomics in Thrombosis and Hemostasis, KU Leuven, Center for Molecular and Vascular Biology
Classification: Likely pathogenic for Glanzmann thrombasthenia 2. Review status: criteria provided, single submitter. Criteria: ACMG Guidelines, 2015. Collection method: clinical testing. Allele origin: germline. Affected: yes. Observed: 1 compound heterozygote, 1 homozygote. Not counted in ClinVar's aggregate classification.
Comment: GoldVariant submitter: Jose María Bastida Grupo Español de Alteraciones Plaquetarias Congénitas (GEAPC), Salamanca, Spain

Literature cited by the submitters: PubMed 34355501 (cited by ISTH-SSC Genomics in Thrombosis and Hemostasis, KU Leuven, Center for Molecular and Vascular Biology); PubMed 25539746 (cited by ISTH-SSC Genomics in Thrombosis and Hemostasis, KU Leuven, Center for Molecular and Vascular Biology).

NM_000212.3(ITGB3):c.647A>G (p.Tyr216Cys)

Genes: ITGB3 (integrin subunit beta 3; plus strand), LOC130061043 (ATAC-STARR-seq lymphoblastoid active region 12307; plus strand). Cytogenetic location: 17q21.32.
Variant type: single nucleotide variant.
Coding change: c.647A>G on transcript NM_000212.3 (MANE Select); coding-DNA position 647, A replaced by G.
Protein change: p.Tyr216Cys; replaces tyrosine 216 with cysteine.
Molecular consequence: missense variant.
Genome position (GRCh38, 1-based): chr17:47,286,292, A>G. VCF-style: chr17-47286292-A-G. GRCh37 (hg19) VCF-style: chr17-45363658-A-G.
Other names: short protein forms Y216C.
Identifiers: ClinVar variation 996202 (VCV000996202.4), dbSNP rs2065102310, ClinGen allele CA400023432.